The following is an entry in ClinVar:

ClinVar aggregate classification (germline): Uncertain significance. Review status: criteria provided, multiple submitters, no conflicts (2 of 4 stars). 4 submissions from 3 submitters: Uncertain significance (4). Last evaluated 2023-02-08.

Conditions:
Familial cutaneous telangiectasia and oropharyngeal predisposition cancer syndrome. Identifiers: Orphanet 313846, MedGen C3281203, MONDO:0013806, OMIM 614564.
Inborn genetic diseases. Identifiers: MedGen C0950123, MeSH D030342.
Seckel syndrome 1 (SCKL1). Also called: MICROCEPHALIC PRIMORDIAL DWARFISM I. Identifiers: Orphanet 808, MedGen C4551474, MONDO:0008869, OMIM 210600.

Submissions (4):

Genome-Nilou Lab
Classification: Uncertain significance for Seckel syndrome 1. Last evaluated: 2023-02-08. Review status: criteria provided, single submitter. Criteria: ACMG Guidelines, 2015. Collection method: clinical testing. Allele origin: germline.

Genome-Nilou Lab
Classification: Uncertain significance for Familial cutaneous telangiectasia and oropharyngeal predisposition cancer syndrome. Last evaluated: 2023-02-08. Review status: criteria provided, single submitter. Criteria: ACMG Guidelines, 2015. Collection method: clinical testing. Allele origin: germline.

Ambry Genetics
Classification: Uncertain significance for Inborn genetic diseases. Last evaluated: 2022-06-02. Review status: criteria provided, single submitter. Criteria: Ambry Variant Classification Scheme 2023. Collection method: clinical testing. Allele origin: germline.
Comment: The p.S1693N variant (also known as c.5078G>A), located in coding exon 29 of the ATR gene, results from a G to A substitution at nucleotide position 5078. The serine at codon 1693 is replaced by asparagine, an amino acid with highly similar properties. This amino acid position is conserved. In addition, this alteration is predicted to be tolerated by in silico analysis. Since supporting evidence is limited at this time, the clinical significance of this alteration remains unclear.

CeGaT Center for Human Genetics Tuebingen
Classification: Uncertain significance. Last evaluated: 2022-02-01. Review status: criteria provided, single submitter. Criteria: CeGaT Center For Human Genetics Tuebingen Variant Classification Criteria Version 2. Collection method: clinical testing. Allele origin: germline. Affected: yes. Observed: 1 variant allele.

NM_001184.4(ATR):c.5078G>A (p.Ser1693Asn)

Gene: ATR (ATR checkpoint kinase; minus strand). Cytogenetic location: 3q23.
Variant type: single nucleotide variant.
Coding change: c.5078G>A on transcript NM_001184.4 (MANE Select); coding-DNA position 5078, G replaced by A.
Protein change: p.Ser1693Asn; replaces serine 1693 with asparagine.
Molecular consequence: missense variant.
Genome position (GRCh38, 1-based): chr3:142,505,257, C>T on the plus strand (G>A on the coding strand, the complement: ATR is on the minus strand). VCF-style: chr3-142505257-C-T. GRCh37 (hg19) VCF-style: chr3-142224099-C-T.
Other names: c.4886G>A, p.Ser1629Asn (NM_001354579.2); short protein forms S1629N, S1693N.
Identifiers: ClinVar variation 1675936 (VCV001675936.36), dbSNP rs1375119564, ClinGen allele CA354820046.